The following is an entry in ClinVar:

ClinVar aggregate classification (germline): Uncertain significance. Review status: criteria provided, multiple submitters, no conflicts (2 of 4 stars). 4 submissions from 4 submitters: Uncertain significance (4). Last evaluated 2025-01-17.

Conditions:
Inborn genetic diseases. Identifiers: MedGen C0950123, MeSH D030342.

Allele frequency attached by ClinVar (database versions not stated): ExAC 0.00002; gnomAD exomes 0.00003 and 0.00013; TOPMed 0.00003; gnomAD 0.00005; ESP Exome Variant Server 0.00008.
gnomAD v4.1: 195 of 1,613,564 alleles (0.012%); highest among the groups gnomAD compares: Non-Finnish European, 0.016%; no homozygotes.

Submissions (4):

Ambry Genetics
Classification: Uncertain significance for Inborn genetic diseases. Last evaluated: 2025-01-17. Review status: criteria provided, single submitter. Criteria: Ambry Variant Classification Scheme 2023. Collection method: clinical testing. Allele origin: germline.

Blueprint Genetics
Classification: Uncertain significance. Last evaluated: 2023-09-21. Review status: criteria provided, single submitter. Criteria: ACMG Guidelines, 2015. Collection method: clinical testing. Allele origin: germline.

Labcorp Genetics (formerly Invitae), Labcorp
Classification: Uncertain significance. Last evaluated: 2022-03-10. Review status: criteria provided, single submitter. Criteria: Invitae Variant Classification Sherloc (09022015). Collection method: clinical testing. Allele origin: germline.
Comment: This sequence change replaces alanine, which is neutral and non-polar, with threonine, which is neutral and polar, at codon 524 of the TULP1 protein (p.Ala524Thr). This variant is present in population databases (rs376519980, gnomAD 0.006%). This variant has not been reported in the literature in individuals affected with TULP1-related conditions. ClinVar contains an entry for this variant (Variation ID: 287616). Algorithms developed to predict the effect of missense changes on protein structure and function are either unavailable or do not agree on the potential impact of this missense change (SIFT: "Not Available"; PolyPhen-2: "Probably Damaging"; Align-GVGD: "Not Available"). In summary, the available evidence is currently insufficient to determine the role of this variant in disease. Therefore, it has been classified as a Variant of Uncertain Significance.

Eurofins Ntd Llc (ga)
Classification: Uncertain significance. Last evaluated: 2016-05-26. Review status: criteria provided, single submitter. Criteria: EGL Classification Definitions 2015. Collection method: clinical testing. Allele origin: germline. Observed: 1 variant allele, 1 heterozygote.

NM_003322.6(TULP1):c.1570G>A (p.Ala524Thr)

Gene: TULP1 (TUB like protein 1; minus strand). Cytogenetic location: 6p21.31.
Variant type: single nucleotide variant.
Coding change: c.1570G>A on transcript NM_003322.6 (MANE Select); coding-DNA position 1570, G replaced by A.
Protein change: p.Ala524Thr; replaces alanine 524 with threonine.
Molecular consequence: missense variant.
Genome position (GRCh38, 1-based): chr6:35,498,386, C>T on the plus strand (G>A on the coding strand, the complement: TULP1 is on the minus strand). VCF-style: chr6-35498386-C-T. GRCh37 (hg19) VCF-style: chr6-35466163-C-T.
Other names: c.1570G>A (NM_003322.3); c.1411G>A, p.Ala471Thr (NM_001289395.2); short protein forms A524T, A471T.
Identifiers: ClinVar variation 287616 (VCV000287616.12), dbSNP rs376519980, ClinGen allele CA3772513.